The following is an entry in ClinVar:

NM_001128159.3(VPS53):c.2365C>G (p.Leu789Val)

Gene: VPS53 (VPS53 subunit of GARP complex; minus strand). Cytogenetic location: 17p13.3.
Variant type: single nucleotide variant.
Coding change: c.2365C>G on transcript NM_001128159.3 (MANE Select); coding-DNA position 2365, C replaced by G.
Protein change: p.Leu789Val; replaces leucine 789 with valine.
Molecular consequence: missense variant.
Genome position (GRCh38, 1-based): chr17:519,262, G>C on the plus strand (C>G on the coding strand, the complement: VPS53 is on the minus strand). VCF-style: chr17-519262-G-C. GRCh37 (hg19) VCF-style: chr17-422502-G-C.
Other names: short protein forms L789V.
Identifiers: ClinVar variation 1029112 (VCV001029112.1), dbSNP rs1010638222, ClinGen allele CA286388053.
Genomic context (GRCh38, chr17:519,262, plus strand): 5'-GGGACAGTGAGCCGGAGCTTTCTGCCCCCGAGGGCGGTGCGGGGAGCCGCTGGCGCAGGA[G>C]TTCCAGCATGCTGCTCTGCTCACTCCTCTTCAGCCCCTGAGGTTGAGAGAGAAACAGAAC-3'
Protein context (NP_001121631.1, residues 779-799): KRSEQSSMLE[Leu789Val]LRQRLPAPPS

ClinVar aggregate classification (germline): Uncertain significance (1 of 4 stars; one submission).

Conditions:
Pontocerebellar hypoplasia type 2E. Identifiers: Orphanet 247198, MedGen C4014488, MONDO:0014370, OMIM 615851.

Allele frequency attached by ClinVar (database versions not stated): gnomAD exomes 0.00001 and 0.00024; TOPMed 0.00006; gnomAD 0.00008 and 0.00009.
gnomAD v4.1: 337 of 1,536,166 alleles (0.022%); highest among the groups gnomAD compares: Non-Finnish European, 0.029%; no homozygotes.

Submission:

Baylor Genetics
Classification: Uncertain significance for Pontocerebellar hypoplasia type 2E. Last evaluated: 2019-04-15. Review status: criteria provided, single submitter. Criteria: ACMG Guidelines, 2015. Collection method: clinical testing. Allele origin: paternal. Affected: yes.
Comment: This variant was determined to be of uncertain significance according to ACMG Guidelines, 2015 [PMID:25741868].